The following is an entry in ClinVar:

ClinVar aggregate classification (germline): Uncertain significance. Review status: criteria provided, multiple submitters, no conflicts (2 of 4 stars). 5 submissions from 5 submitters: Uncertain significance (5). Last evaluated 2026-03-12.

Conditions:
Citrullinemia. Identifiers: Orphanet 187, MedGen C0175683, MONDO:0015991.
Inborn genetic diseases. Identifiers: MedGen C0950123, MeSH D030342.
ASS1-related disorder. Also called: ASS1-related condition.

Allele frequency attached by ClinVar (database versions not stated): ESP Exome Variant Server 0.00008.
gnomAD v4.1: 26 of 1,613,984 alleles (0.0016%); highest among the groups gnomAD compares: Admixed American, 0.042%; no homozygotes.

Submissions (5):

PreventionGenetics, part of Exact Sciences
Classification: Uncertain significance for ASS1-related condition. Last evaluated: 2026-03-12. Review status: criteria provided, single submitter. Criteria: ACMG Guidelines, 2015. Collection method: clinical testing. Allele origin: germline.
Comment: The ASS1 c.515C>G variant is predicted to result in the amino acid substitution p.Pro172Arg. To our knowledge, this variant has not been reported in the literature. This variant is reported in 0.062% of alleles in individuals of Latino descent in gnomAD. At this time, the clinical significance of this variant is uncertain due to the absence of conclusive functional and genetic evidence.

Women's Health and Genetics/Laboratory Corporation of America, LabCorp
Classification: Uncertain significance. Last evaluated: 2026-02-07. Review status: criteria provided, single submitter. Criteria: LabCorp Variant Classification Summary - May 2015. Collection method: clinical testing. Allele origin: germline.

Ambry Genetics
Classification: Uncertain significance for Inborn genetic diseases. Last evaluated: 2024-09-20. Review status: criteria provided, single submitter. Criteria: Ambry Variant Classification Scheme 2023. Collection method: clinical testing. Allele origin: germline.

Labcorp Genetics (formerly Invitae), Labcorp
Classification: Uncertain significance for Citrullinemia. Last evaluated: 2022-08-23. Review status: criteria provided, single submitter. Criteria: Invitae Variant Classification Sherloc (09022015). Collection method: clinical testing. Allele origin: germline.
Comment: This sequence change replaces proline, which is neutral and non-polar, with arginine, which is basic and polar, at codon 172 of the ASS1 protein (p.Pro172Arg). This variant is present in population databases (rs372078387, gnomAD 0.07%). This variant has not been reported in the literature in individuals affected with ASS1-related conditions. ClinVar contains an entry for this variant (Variation ID: 1312734). Algorithms developed to predict the effect of missense changes on protein structure and function are either unavailable or do not agree on the potential impact of this missense change (SIFT: "Deleterious"; PolyPhen-2: "Possibly Damaging"; Align-GVGD: "Class C0"). In summary, the available evidence is currently insufficient to determine the role of this variant in disease. Therefore, it has been classified as a Variant of Uncertain Significance.

GeneDx
Classification: Uncertain significance. Last evaluated: 2020-06-30. Review status: criteria provided, single submitter. Criteria: GeneDx Variant Classification Process June 2021. Collection method: clinical testing. Allele origin: germline. Affected: yes.
Comment: Missense variants in this gene are often considered pathogenic (Stenson et al., 2014); In silico analysis supports that this missense variant has a deleterious effect on protein structure/function; Has not been previously published as pathogenic or benign to our knowledge

NM_054012.4(ASS1):c.515C>G (p.Pro172Arg)

Gene: ASS1 (argininosuccinate synthase 1; plus strand). Cytogenetic location: 9q34.11.
Variant type: single nucleotide variant.
Coding change: c.515C>G on transcript NM_054012.4 (MANE Select); coding-DNA position 515, C replaced by G.
Protein change: p.Pro172Arg; replaces proline 172 with arginine.
Molecular consequence: missense variant.
Genome position (GRCh38, 1-based): chr9:130,470,853, C>G. VCF-style: chr9-130470853-C-G. GRCh37 (hg19) VCF-style: chr9-133346240-C-G.
Other names: c.515C>G, p.Pro172Arg (NM_000050.4); short protein forms P172R.
Identifiers: ClinVar variation 1312734 (VCV001312734.8), dbSNP rs372078387, ClinGen allele CA5283328.